The following is an entry in ClinVar:

ClinVar aggregate classification (germline): Benign. Review status: criteria provided, multiple submitters, no conflicts (2 of 4 stars). 5 submissions from 5 submitters: Benign (4). 1 of the submissions does not count toward it. Last evaluated 2024-11-27.

Conditions:
SFTPA1-related disorder. Also called: SFTPA1-related condition.

Allele frequency attached by ClinVar (database versions not stated): TOPMed 0.11429; gnomAD 0.12124 and 0.12559; gnomAD exomes 0.13105 and 0.14178; ExAC 0.14228; 1000 Genomes Project 30x 0.14553; 1000 Genomes Project 0.15096.
gnomAD v4.1: 210,763 of 1,613,662 alleles (13%); highest among the groups gnomAD compares: South Asian, 22%; 15,085 homozygotes.

Submissions (5):

Blueprint Genetics
Classification: Benign. Last evaluated: 2024-11-27. Review status: criteria provided, single submitter. Criteria: ACMG Guidelines, 2015. Collection method: clinical testing. Allele origin: germline.

Mayo Clinic Laboratories, Mayo Clinic
Classification: Benign. Last evaluated: 2022-09-06. Review status: criteria provided, single submitter. Criteria: ACMG Guidelines, 2015. Collection method: clinical testing. Allele origin: germline. Observed: 3 variant alleles.

Laboratory for Molecular Medicine, Mass General Brigham Personalized Medicine
Classification: Benign. Last evaluated: 2015-08-12. Review status: criteria provided, single submitter. Criteria: LMM Criteria. Collection method: clinical testing. Allele origin: germline. Observed: 22 variant alleles.
Comment: p.His54His in exon 3 of SFTPA1: This variant is not expected to have clinical si gnificance it has been identified in 12.8% (8563/66692) of European chromosomes by the Exome Aggregation Consortium (ExAC; dbSNP rs72659390).

Breakthrough Genomics
Classification: Benign. Review status: criteria provided, single submitter. Criteria: ACMG Guidelines, 2015. Collection method: not provided. Allele origin: germline. Inheritance: Autosomal dominant inheritance. Affected: yes.

PreventionGenetics, part of Exact Sciences
Classification: Benign for SFTPA1-related condition. Last evaluated: 2024-05-01. Review status: no assertion criteria provided. Collection method: clinical testing. Allele origin: germline. Not counted in ClinVar's aggregate classification.
Comment: This variant is classified as benign based on ACMG/AMP sequence variant interpretation guidelines (Richards et al. 2015 PMID: 25741868, with internal and published modifications).

NM_005411.5(SFTPA1):c.117C>T (p.His39=)

Gene: SFTPA1 (surfactant protein A1; plus strand). Cytogenetic location: 10q22.3.
Variant type: single nucleotide variant.
Coding change: c.117C>T on transcript NM_005411.5 (MANE Select); coding-DNA position 117, C replaced by T.
Protein change: p.His39=; no amino-acid change (histidine 39 retained).
Molecular consequence: synonymous variant. On other transcripts: intron variant (2).
Genome position (GRCh38, 1-based): chr10:79,611,942, C>T. VCF-style: chr10-79611942-C-T. GRCh37 (hg19) VCF-style: chr10-81371698-C-T.
Other names: p.His39=; c.162C>T, p.His54= (NM_001093770.3); c.117C>T, p.His39= (NM_001164644.2, NM_001164647.1); c.85+32C>T (NM_001164646.2); c.130+32C>T (NM_001164645.2); c.117C>T (NM_005411.4).
Identifiers: ClinVar variation 227061 (VCV000227061.10), dbSNP rs72659390, ClinGen allele CA5574388.
Genomic context (GRCh38, chr10:79,611,942, plus strand): 5'-GTGCGAAGTGAAGGACGTTTGTGTTGGAAGCCCTGGTATCCCCGGCACTCCTGGATCCCA[C>T]GGCCTGCCAGGCAGGGACGGGAGAGATGGTCTCAAAGGAGACCCTGGCCCTCCAGGTACT-3'
Protein context (NP_005402.3, residues 29-49): SPGIPGTPGS[His39=]GLPGRDGRDG